The following is an entry in ClinVar:

NM_000540.3(RYR1):c.12013-14G>A

Gene: RYR1 (ryanodine receptor 1; plus strand). Cytogenetic location: 19q13.2.
Variant type: single nucleotide variant.
Coding change: c.12013-14G>A on transcript NM_000540.3 (MANE Select); 14 bases into the intron before coding-DNA position 12013, G replaced by A.
Molecular consequence: intron variant.
Genome position (GRCh38, 1-based): chr19:38,546,431, G>A. VCF-style: chr19-38546431-G-A. GRCh37 (hg19) VCF-style: chr19-39037071-G-A.
Other names: c.11998-14G>A (NM_001042723.2).
Identifiers: ClinVar variation 3072990 (VCV003072990.2), dbSNP rs1600996952, ClinGen allele CA2335075712.

ClinVar aggregate classification (germline): Likely benign. Review status: criteria provided, multiple submitters, no conflicts (2 of 4 stars). 2 submissions from 2 submitters: Likely benign (2). Last evaluated 2023-08-15.

Conditions:
Malignant hyperthermia, susceptibility to, 1 (MHS1). Also called: Anesthesia related hyperthermia; Malignant hyperpyrexia; Fulminating hyperpyrexia; Pharmacogenic myopathy; RYR1-Related Malignant Hyperthermia Susceptibility; Malignant hyperthermia suceptibility 1. Identifiers: Orphanet 423, MedGen C2930980, MONDO:0007783, OMIM 145600.

Submissions (2):

All of Us Research Program, National Institutes of Health
Classification: Likely benign for Malignant hyperthermia, susceptibility to, 1. Last evaluated: 2023-08-15. Review status: criteria provided, single submitter. Criteria: ACMG Guidelines, 2015. Collection method: clinical testing. Allele origin: germline. Inheritance: Autosomal dominant inheritance. Observed: 1 variant allele, 1 heterozygote.
Comment: This study involves interpretation of variants in research participants for the purpose of population health screening. Participant phenotype was not available at the time of variant classification. Additional details can be found in publication PMID: 35346344, PMCID: PMC8962531

Color Diagnostics, LLC DBA Color Health
Classification: Likely benign for Malignant hyperthermia, susceptibility to, 1. Last evaluated: 2023-08-03. Review status: criteria provided, single submitter. Criteria: ACMG Guidelines, 2015. Collection method: clinical testing. Allele origin: germline.